The following is an entry in ClinVar:

NM_005529.7(HSPG2):c.4910G>A (p.Arg1637His)

Gene: HSPG2 (heparan sulfate proteoglycan 2; minus strand). Cytogenetic location: 1p36.12.
Variant type: single nucleotide variant.
Coding change: c.4910G>A on transcript NM_005529.7 (MANE Select); coding-DNA position 4910, G replaced by A.
Protein change: p.Arg1637His; replaces arginine 1637 with histidine.
Molecular consequence: missense variant.
Genome position (GRCh38, 1-based): chr1:21,861,802, C>T on the plus strand (G>A on the coding strand, the complement: HSPG2 is on the minus strand). VCF-style: chr1-21861802-C-T. GRCh37 (hg19) VCF-style: chr1-22188295-C-T.
Other names: c.4913G>A, p.Arg1638His (NM_001291860.2); c.4910G>A (NM_005529.5); short protein forms R1638H, R1637H.
Identifiers: ClinVar variation 1367736 (VCV001367736.9), dbSNP rs146586681, ClinGen allele CA672121.

ClinVar aggregate classification (germline): Uncertain significance. Review status: criteria provided, multiple submitters, no conflicts (2 of 4 stars). 2 submissions from 2 submitters: Uncertain significance (2). Last evaluated 2024-12-04.

Allele frequency attached by ClinVar (database versions not stated): gnomAD exomes 0.00005 and 0.00007; ExAC 0.00007; gnomAD 0.00009 and 0.00023; ESP Exome Variant Server 0.00031; TOPMed 0.00034.
gnomAD v4.1: 137 of 1,613,516 alleles (0.0085%); highest among the groups gnomAD compares: Middle Eastern, 0.016%; 1 homozygote.

Submissions (2):

Labcorp Genetics (formerly Invitae), Labcorp
Classification: Uncertain significance. Last evaluated: 2024-12-04. Review status: criteria provided, single submitter. Criteria: Invitae Variant Classification Sherloc (09022015). Collection method: clinical testing. Allele origin: germline.
Comment: This sequence change replaces arginine, which is basic and polar, with histidine, which is basic and polar, at codon 1637 of the HSPG2 protein (p.Arg1637His). This variant is present in population databases (rs146586681, gnomAD 0.02%). This variant has not been reported in the literature in individuals affected with HSPG2-related conditions. ClinVar contains an entry for this variant (Variation ID: 1367736). An algorithm developed to predict the effect of missense changes on protein structure and function (PolyPhen-2) suggests that this variant is likely to be disruptive. In summary, the available evidence is currently insufficient to determine the role of this variant in disease. Therefore, it has been classified as a Variant of Uncertain Significance.

GeneDx
Classification: Uncertain significance. Last evaluated: 2023-05-10. Review status: criteria provided, single submitter. Criteria: GeneDx Variant Classification Process June 2021. Collection method: clinical testing. Allele origin: germline. Affected: yes.
Comment: In silico analysis supports that this missense variant has a deleterious effect on protein structure/function; Has not been previously published as pathogenic or benign to our knowledge